The following is an entry in ClinVar:

NM_001365536.1(SCN9A):c.1117G>A (p.Ala373Thr)

Genes: SCN1A-AS1 (SCN1A and SCN9A antisense RNA 1; plus strand), SCN9A (sodium voltage-gated channel alpha subunit 9; minus strand). Cytogenetic location: 2q24.3.
Variant type: single nucleotide variant.
Coding change: c.1117G>A on transcript NM_001365536.1 (MANE Select); coding-DNA position 1117, G replaced by A.
Protein change: p.Ala373Thr; replaces alanine 373 with threonine.
Molecular consequence: missense variant.
Genome position (GRCh38, 1-based): chr2:166,288,634, C>T on the plus strand (G>A on the coding strand, the complement: SCN9A is on the minus strand). VCF-style: chr2-166288634-C-T. GRCh37 (hg19) VCF-style: chr2-167145144-C-T.
Other names: c.1117G>A, p.Ala373Thr (NM_002977.4); short protein forms A373T.
Identifiers: ClinVar variation 1448108 (VCV001448108.8), dbSNP rs1697898708, ClinGen allele CA349086227.

ClinVar aggregate classification (germline): Uncertain significance (1 of 4 stars; one submission).

Conditions:
Generalized epilepsy with febrile seizures plus, type 7 (GEFSP7). Also called: GEFS+, TYPE 7. Identifiers: Orphanet 36387, MedGen C2751778, MONDO:0013470, OMIM 613863.
Neuropathy, hereditary sensory and autonomic, type 2A (HSAN2A). Also called: ACROOSTEOLYSIS, NEUROGENIC; ACROOSTEOLYSIS, GIACCAI TYPE; MORVAN DISEASE; WNK1-Related HSAN2 (HSAN2A); NEUROPATHY, CONGENITAL SENSORY; NEUROPATHY, HEREDITARY SENSORY RADICULAR, AUTOSOMAL RECESSIVE. Identifiers: Orphanet 970, MedGen C2752089, MONDO:0024309, OMIM 201300.

Submission:

Labcorp Genetics (formerly Invitae), Labcorp
Classification: Uncertain significance for Neuropathy, hereditary sensory and autonomic, type 2A; Generalized epilepsy with febrile seizures plus, type 7. Last evaluated: 2024-07-01. Review status: criteria provided, single submitter. Criteria: Invitae Variant Classification Sherloc (09022015). Collection method: clinical testing. Allele origin: germline.
Comment: This sequence change replaces alanine, which is neutral and non-polar, with threonine, which is neutral and polar, at codon 373 of the SCN9A protein (p.Ala373Thr). This variant is not present in population databases (gnomAD no frequency). This variant has not been reported in the literature in individuals affected with SCN9A-related conditions. ClinVar contains an entry for this variant (Variation ID: 1448108). Advanced modeling of protein sequence and biophysical properties (such as structural, functional, and spatial information, amino acid conservation, physicochemical variation, residue mobility, and thermodynamic stability) performed at Invitae indicates that this missense variant is not expected to disrupt SCN9A protein function with a negative predictive value of 95%. In summary, the available evidence is currently insufficient to determine the role of this variant in disease. Therefore, it has been classified as a Variant of Uncertain Significance.